The following is an entry in ClinVar:

ClinVar aggregate classification (germline): Uncertain significance. Review status: criteria provided, multiple submitters, no conflicts (2 of 4 stars). 2 submissions from 2 submitters: Uncertain significance (2). Last evaluated 2025-04-17.

Conditions:
Hereditary pancreatitis (PCTT). Also called: Hereditary chronic pancreatitis; PRSS1-Related Hereditary Pancreatitis. Identifiers: Orphanet 676, MedGen C0238339, MONDO:0008185, OMIM 167800.

gnomAD v4.1: 2 of 1,613,970 alleles (0.00012%); highest among the groups gnomAD compares: South Asian, 0.0011%; no homozygotes.

Submissions (2):

Labcorp Genetics (formerly Invitae), Labcorp
Classification: Uncertain significance for Hereditary pancreatitis. Last evaluated: 2025-04-17. Review status: criteria provided, single submitter. Criteria: Invitae Variant Classification Sherloc (09022015). Collection method: clinical testing. Allele origin: germline.
Comment: This sequence change replaces glutamine, which is neutral and polar, with histidine, which is basic and polar, at codon 56 of the PRSS1 protein (p.Gln56His). This variant is not present in population databases (gnomAD no frequency). This variant has not been reported in the literature in individuals affected with PRSS1-related conditions. ClinVar contains an entry for this variant (Variation ID: 3426316). Invitae Evidence Modeling of protein sequence and biophysical properties (such as structural, functional, and spatial information, amino acid conservation, physicochemical variation, residue mobility, and thermodynamic stability) indicates that this missense variant is not expected to disrupt PRSS1 protein function with a negative predictive value of 80%. In summary, the available evidence is currently insufficient to determine the role of this variant in disease. Therefore, it has been classified as a Variant of Uncertain Significance.

Ambry Genetics
Classification: Uncertain significance for Hereditary pancreatitis. Last evaluated: 2024-08-19. Review status: criteria provided, single submitter. Criteria: Ambry Variant Classification Scheme 2023. Collection method: clinical testing. Allele origin: germline.
Comment: The p.Q56H variant (also known as c.168G>C), located in coding exon 2 of the PRSS1 gene, results from a G to C substitution at nucleotide position 168. The glutamine at codon 56 is replaced by histidine, an amino acid with highly similar properties. This amino acid position is conserved. In addition, the in silico prediction for this alteration is inconclusive. Based on the available evidence, the clinical significance of this variant remains unclear.

NM_002769.5(PRSS1):c.168G>C (p.Gln56His)

Genes: PRSS1 (serine protease 1; plus strand), TRB (T cell receptor beta locus; plus strand). Cytogenetic location: 7q34.
Variant type: single nucleotide variant.
Coding change: c.168G>C on transcript NM_002769.5 (MANE Select); coding-DNA position 168, G replaced by C.
Protein change: p.Gln56His; replaces glutamine 56 with histidine.
Molecular consequence: missense variant. On other transcripts: non-coding transcript variant (4).
Genome position (GRCh38, 1-based): chr7:142,750,682, G>C. VCF-style: chr7-142750682-G-C. GRCh37 (hg19) VCF-style: chr7-142458533-G-C.
Other names: short protein forms Q56H.
Identifiers: ClinVar variation 3426316 (VCV003426316.2).